The following is an entry in ClinVar:

NM_001114753.3(ENG):c.277C>T (p.Arg93Ter)

Gene: ENG (endoglin; minus strand). Cytogenetic location: 9q34.11.
Variant type: single nucleotide variant.
Coding change: c.277C>T on transcript NM_001114753.3 (MANE Select); coding-DNA position 277, C replaced by T.
Protein change: p.Arg93Ter; replaces arginine 93 with a stop codon.
Molecular consequence: nonsense. On other transcripts: 5 prime UTR variant (1).
Genome position (GRCh38, 1-based): chr9:127,829,770, G>A on the plus strand (C>T on the coding strand, the complement: ENG is on the minus strand). VCF-style: chr9-127829770-G-A. GRCh37 (hg19) VCF-style: chr9-130592049-G-A.
Other names: c.277C>T, p.Arg93Ter (NM_000118.4, NM_001406715.1); c.-270C>T (NM_001278138.2); short protein forms R93*.
Identifiers: ClinVar variation 265371 (VCV000265371.51), dbSNP rs886039506, ClinGen allele CA10588468.
Genomic context (GRCh38, chr9:127,829,770, plus strand): 5'-CCAGGGCCTGGAGATGCAGGAAGACACTGCTGTTTACACTGAGGACCAGAAGCACCTCTC[G>A]GGGCCAGGTGCCATTTTGCTTGGATGCCTGGAGAGTCAGCTCCAGCTGTGACGGGCCCTG-3'

ClinVar aggregate classification (germline): Pathogenic. Review status: criteria provided, multiple submitters, no conflicts (2 of 4 stars). 13 submissions from 12 submitters: Pathogenic (11). 2 of the submissions do not count toward it. Last evaluated 2026-06-04.

Conditions:
Cardiovascular phenotype. Identifiers: MedGen CN230736.
Hereditary hemorrhagic telangiectasia (HHT). Also called: ORW DISEASE; Osler Weber Rendu syndrome; OSLER-RENDU-WEBER DISEASE; Osler hemorrhagic telangiectasia syndrome. Identifiers: Orphanet 774, MedGen C0039445, MONDO:0019180. Disease mechanism: loss of function.
ENG-related disorder. Also called: ENG-related condition; ENG-related disorders.
Telangiectasia, hereditary hemorrhagic, type 1 (HHT1). Also called: Osler Weber Rendu syndrome type 1; ENG-Related Hereditary Hemorrhagic Telangiectasia. Identifiers: Orphanet 774, MedGen C4551861, MONDO:0008535, OMIM 187300. Disease mechanism: loss of function.
Pulmonary arterial hypertension. Identifiers: Orphanet 182090, MedGen C2973725, MeSH D000081029, MONDO:0015924, HP:0002092.

Allele frequency attached by ClinVar (database versions not stated): TOPMed below 0.00001.

Submissions 1 to 9 of 13:

PreventionGenetics, part of Exact Sciences
Classification: Pathogenic for ENG-related condition. Last evaluated: 2026-06-04. Review status: criteria provided, single submitter. Criteria: ACMG Guidelines, 2015. Collection method: clinical testing. Allele origin: germline.
Comment: The ENG c.277C>T variant is predicted to result in premature protein termination (p.Arg93*). This variant has been reported in multiple individuals with hereditary hemorrhagic telangiectasia (HHT) (See for example: Letteboer et al. 2004. PubMed ID: 15517393; Olivieri et al. 2007. PubMed ID: 17786384; Table S1, McDonald et al. 2010. PubMed ID: 21158752; Heimdal et al. 2015. PubMed ID: 25970827; Kitayama et al. 2021. PubMed ID: 34872578). It has also been reported in an individual with associated pulmonary arterial hypertension with HHT (APAH-HHT) (Table S3, Zhu et al. 2019. PubMed ID: 31727138). This variant has not been reported in a large population database (gnomAD), indicating this variant is rare. This variant is interpreted as pathogenic in ClinVar (Variation ID: 265371). This variant is interpreted as pathogenic.

Labcorp Genetics (formerly Invitae), Labcorp
Classification: Pathogenic for Hereditary hemorrhagic telangiectasia. Last evaluated: 2025-12-19. Review status: criteria provided, single submitter. Criteria: Invitae Variant Classification Sherloc (09022015). Collection method: clinical testing. Allele origin: germline.
Comment: This sequence change creates a premature translational stop signal (p.Arg93*) in the ENG gene. It is expected to result in an absent or disrupted protein product. Loss-of-function variants in ENG are known to be pathogenic (PMID: 15879500). This variant is not present in population databases (gnomAD no frequency). This premature translational stop signal has been observed in individual(s) with hereditary hemorrhagic telangiectasia (PMID: 10625079, 15517393, 15521985, 16705692, 19270816, 21158752, 22991266, 23722869). ClinVar contains an entry for this variant (Variation ID: 265371). For these reasons, this variant has been classified as Pathogenic.

Fulgent Genetics
Classification: Pathogenic for Telangiectasia, hereditary hemorrhagic, type 1. Last evaluated: 2024-06-20. Review status: criteria provided, single submitter. Criteria: ACMG Guidelines, 2015. Collection method: clinical testing. Allele origin: germline.

Mayo Clinic Laboratories, Mayo Clinic
Classification: Pathogenic. Last evaluated: 2024-03-28. Review status: criteria provided, single submitter. Criteria: ACMG Guidelines, 2015. Collection method: clinical testing. Allele origin: germline. Observed: 4 variant alleles.
Comment: PM2_supporting, PS4, PVS1

Clinical Genetics Laboratory, Skane University Hospital Lund
Classification: Pathogenic. Last evaluated: 2024-02-14. Review status: criteria provided, single submitter. Criteria: ACMG Guidelines, 2015. Collection method: clinical testing. Allele origin: germline. Affected: yes.

Blueprint Genetics
Classification: Pathogenic for ENG-related disorders. Last evaluated: 2023-11-23. Review status: criteria provided, single submitter. Criteria: ACMG Guidelines, 2015. Collection method: clinical testing. Allele origin: germline. Affected: yes. Observed: 5 variant alleles.

GeneDx
Classification: Pathogenic. Last evaluated: 2022-08-16. Review status: criteria provided, single submitter. Criteria: GeneDx Variant Classification Process June 2021. Collection method: clinical testing. Allele origin: germline. Affected: yes.
Comment: Reported in multiple unrelated individuals diagnosed with HHT from several ethnic backgrounds (Cymerman et al., 2000; Letteboer et al., 2005; Lesca et al., 2006; Olivieri et al., 2006; Gedge et al., 2007; Olivieri et al., 2007; Lee et al., 2009; Nishida et al., 2012; Canzonieri et al., 2014); Observed in a grandmother with pulmonary arteriovenous malformation and reduced levels of ENG-protein in activated peripheral blood monocytes; her unaffected son and grandson demonstrated normal ENG-protein levels in activated peripheral blood monocytes (Cymerman et al., 2000); Nonsense variant predicted to result in protein truncation or nonsense mediated decay in a gene for which loss-of-function is a known mechanism of disease; Not observed in large population cohorts (gnomAD); This variant is associated with the following publications: (PMID: 16540754, 12673790, 21158752, 31727138, 32503579, 32581362, 32573726, 16752392, 16705692, 17384219, 17786384, 25525159, 15879500, 23801935, 23805858, 25970827, 22991266, 23722869, 19270816, 15517393, 29650961, 32514857, 15521985, 10625079)

Victorian Clinical Genetics Services, Murdoch Childrens Research Institute
Classification: Pathogenic for Telangiectasia, hereditary hemorrhagic, type 1. Last evaluated: 2022-06-24. Review status: criteria provided, single submitter. Criteria: ACMG Guidelines, 2015. Collection method: clinical testing. Allele origin: germline. Inheritance: Autosomal dominant inheritance. Affected: yes.
Comment: Based on the classification scheme VCGS_Germline_v1.3.4, this variant is classified as Pathogenic. Following criteria are met: 0103 - Dominant negative and loss of function are known mechanisms of disease in this gene and are associated with hereditary haemorrhagic telangiectasia, type 1 (HHT; MIM#187300). (I) 0107 - This gene is associated with autosomal dominant disease. (I) 0201 - Variant is predicted to cause nonsense-mediated decay (NMD) and loss of protein (premature termination codon is located at least 54 nucleotides upstream of the final exon-exon junction). (SP) 0251 - This variant is heterozygous. (I) 0301 - Variant is absent from gnomAD (both v2 and v3). (SP) 0701 - Other variants predicted to result in NMD comparable to the one identified in this case have very strong previous evidence for pathogenicity (DECIPHER). (SP) 0801 - This variant has very strong previous evidence of pathogenicity in unrelated individuals. It has been reported in multiple individuals with HHT and regarded as pathogenic (ClinVar, LOVD, PMID: 33919892). (SP) 1208 - Inheritance information for this variant is not currently available in this individual. (I) Legend: (SP) - Supporting pathogenic, (I) - Information, (SB) - Supporting benign

Ambry Genetics
Classification: Pathogenic for Cardiovascular phenotype. Last evaluated: 2021-09-17. Review status: criteria provided, single submitter. Criteria: Ambry Variant Classification Scheme 2023. Collection method: clinical testing. Allele origin: germline.
Comment: The p.R93* pathogenic mutation (also known as c.277C>T), located in coding exon 3 of the ENG gene, results from a C to T substitution at nucleotide position 277. This changes the amino acid from an arginine to a stop codon within coding exon 3. This mutation was originally identified in an individual with a pulmonary arteriovenous malformation and reduced level of endoglin (Cymerman U et al. Pediatr. Res., 2000 Jan;47:24-35). In one study, this mutation was identified in two individuals who both had epistaxis, pulmonary arteriovenous malformations, and gastrointestinal telangiectasias (Canzonieri C et al. Genet. Med., 2014 Jan;16:3-10). In other studies, this mutation was identified in an individual with recurrent epistaxis, pulmonary and hepatic arteriovenous malformations, telangiectasias, and a positive family history as well as in an individual with pulmonary arterial hypertension (PAH) (Gr&auml;f S et al. Nat Commun, 2018 Apr;9:1416; Lee ST et al. J. Korean Med. Sci., 2009 Feb;24:69-76). In a study of Norwegian families with hereditary hemorrhagic telangiectasia, this mutation was identified in twelve individuals from five families (Heimdal K et al. Clin. Genet., 2016 Feb;89:182-6). This variant is considered to be rare based on population cohorts in the Genome Aggregation Database (gnomAD). In addition to the clinical data presented in the literature, this alteration is expected to result in loss of function by premature protein truncation or nonsense-mediated mRNA decay. As such, this alteration is interpreted as a disease-causing mutation.